The following is an entry in ClinVar:

ClinVar aggregate classification (germline): Uncertain significance. Review status: criteria provided, multiple submitters, no conflicts (2 of 4 stars). 2 submissions from 2 submitters: Uncertain significance (2). Last evaluated 2025-05-18.

Conditions:
Inborn genetic diseases. Identifiers: MedGen C0950123, MeSH D030342.

Allele frequency attached by ClinVar (database versions not stated): gnomAD exomes 0.00001; ExAC 0.00002; gnomAD 0.00005 and 0.00006; TOPMed 0.00005; ESP Exome Variant Server 0.00008.

Submissions (2):

Ambry Genetics
Classification: Uncertain significance for Inborn genetic diseases. Last evaluated: 2025-05-18. Review status: criteria provided, single submitter. Criteria: Ambry Variant Classification Scheme 2023. Collection method: clinical testing. Allele origin: germline.

Laboratory for Molecular Medicine, Mass General Brigham Personalized Medicine
Classification: Uncertain significance. Last evaluated: 2015-06-16. Review status: criteria provided, single submitter. Criteria: LMM Criteria. Collection method: clinical testing. Allele origin: germline. Observed: 1 variant allele.
Comment: The p.Ser265Phe variant in ILDR1 has not been previously reported in individuals with hearing loss, but has been identified in 1/10318 African chromosomes by th e Exome Aggregation Consortium (ExAC; dbSNP rs14 6027039). Although this variant has been seen in the general population, its fre quency is not high enough to rule out a pathogenic role. Computational predictio n tools do not provide strong support for or against an impact to the protein. I n summary, the clinical significance of the p.Ser265Phe variant is uncertain.

NM_001199799.2(ILDR1):c.794C>T (p.Ser265Phe)

Gene: ILDR1 (immunoglobulin like domain containing receptor 1; minus strand). Cytogenetic location: 3q13.33.
Variant type: single nucleotide variant.
Coding change: c.794C>T on transcript NM_001199799.2 (MANE Select); coding-DNA position 794, C replaced by T.
Protein change: p.Ser265Phe; replaces serine 265 with phenylalanine.
Molecular consequence: missense variant.
Genome position (GRCh38, 1-based): chr3:121,993,955, G>A on the plus strand (C>T on the coding strand, the complement: ILDR1 is on the minus strand). VCF-style: chr3-121993955-G-A. GRCh37 (hg19) VCF-style: chr3-121712802-G-A.
Other names: c.527C>T, p.Ser176Phe (NM_001199800.2); c.662C>T, p.Ser221Phe (NM_175924.4); short protein forms S265F, S221F, S176F.
Identifiers: ClinVar variation 228749 (VCV000228749.5), dbSNP rs146027039, ClinGen allele CA2568823.
Genomic context (GRCh38, chr3:121,993,955, plus strand): 5'-ACACCATTGGCGATGGGAGGCTGATTGGTGGTCTGGGTCATTGGCATCTGCGGGAGGCTG[G>A]ACGGCAGGGACAAATCTGAATGGAAACAAGGACAGGACAATAGAACAAATGGCCCAAAAC-3'
Protein context (NP_001186728.1, residues 255-275): PLLQRDLSLP[Ser265Phe]SLPQMPMTQT